The following is an entry in ClinVar:

ClinVar aggregate classification (germline): Uncertain significance (1 of 4 stars; one submission).

Conditions:
Neurofibromatosis, type 1 (NF1). Also called: Peripheral type neurofibromatosis; NEUROFIBROMATOSIS, TYPE I, SOMATIC; VON RECKLINGHAUSEN DISEASE; Neurofibromatosis, type I. Identifiers: Orphanet 636, MedGen C0027831, MONDO:0018975, OMIM 162200. Disease mechanism: loss of function.

Submission:

Labcorp Genetics (formerly Invitae), Labcorp
Classification: Uncertain significance for Neurofibromatosis, type 1. Last evaluated: 2022-03-09. Review status: criteria provided, single submitter. Criteria: Invitae Variant Classification Sherloc (09022015). Collection method: clinical testing. Allele origin: germline.
Comment: This sequence change replaces histidine, which is basic and polar, with glutamine, which is neutral and polar, at codon 623 of the NF1 protein (p.His623Gln). This variant is not present in population databases (gnomAD no frequency). This variant has not been reported in the literature in individuals affected with NF1-related conditions. Advanced modeling of protein sequence and biophysical properties (such as structural, functional, and spatial information, amino acid conservation, physicochemical variation, residue mobility, and thermodynamic stability) performed at Invitae indicates that this missense variant is not expected to disrupt NF1 protein function. In summary, the available evidence is currently insufficient to determine the role of this variant in disease. Therefore, it has been classified as a Variant of Uncertain Significance.

NM_001042492.3(NF1):c.1869C>A (p.His623Gln)

Gene: NF1 (neurofibromin 1; plus strand). Cytogenetic location: 17q11.2.
Variant type: single nucleotide variant.
Coding change: c.1869C>A on transcript NM_001042492.3 (MANE Select); coding-DNA position 1869, C replaced by A.
Protein change: p.His623Gln; replaces histidine 623 with glutamine.
Molecular consequence: missense variant.
Genome position (GRCh38, 1-based): chr17:31,225,118, C>A. VCF-style: chr17-31225118-C-A. GRCh37 (hg19) VCF-style: chr17-29552136-C-A.
Other names: c.1869C>A, p.His623Gln (NM_000267.4); short protein forms H623Q.
Identifiers: ClinVar variation 2107520 (VCV002107520.4), dbSNP rs1555613556, ClinGen allele CA399005109.